The following is an entry in ClinVar:

NM_000219.6(KCNE1):c.323T>C (p.Val108Ala)

Gene: KCNE1 (potassium voltage-gated channel subfamily E regulatory subunit 1; minus strand). Cytogenetic location: 21q22.12.
Variant type: single nucleotide variant.
Coding change: c.323T>C on transcript NM_000219.6 (MANE Select); coding-DNA position 323, T replaced by C.
Protein change: p.Val108Ala; replaces valine 108 with alanine.
Molecular consequence: missense variant.
Genome position (GRCh38, 1-based): chr21:34,449,312, A>G on the plus strand (T>C on the coding strand, the complement: KCNE1 is on the minus strand). VCF-style: chr21-34449312-A-G. GRCh37 (hg19) VCF-style: chr21-35821610-A-G.
Other names: c.323T>C, p.Val108Ala (NM_001127668.4, NM_001127669.4, NM_001127670.4 and 4 more transcripts); short protein forms V108A.
Identifiers: ClinVar variation 3374639 (VCV003374639.2).

Conditions:
Long QT syndrome 5 (LQT5). Identifiers: Orphanet 101016, Orphanet 768, MedGen C1867904, MONDO:0013372, OMIM 613695.

Submission:

Roden Lab, Vanderbilt University Medical Center
No classification provided (evidence only). Condition: Long QT syndrome 5. Review status: no classification provided. Collection method: in vitro. Allele origin: not applicable. Functional consequence: Effect on ion channel function.
ClinVar note: "not provided" was previously submitted as the classification for the variant. However, the classification appeared to be based only on an observation of functional data so it was converted to no classification on 2025-07-30.